The following is an entry in ClinVar:

NM_004519.4(KCNQ3):c.2129A>G (p.Tyr710Cys)

Gene: KCNQ3 (potassium voltage-gated channel subfamily Q member 3; minus strand). Cytogenetic location: 8q24.22.
Variant type: single nucleotide variant.
Coding change: c.2129A>G on transcript NM_004519.4 (MANE Select); coding-DNA position 2129, A replaced by G.
Protein change: p.Tyr710Cys; replaces tyrosine 710 with cysteine.
Molecular consequence: missense variant.
Genome position (GRCh38, 1-based): chr8:132,129,752, T>C on the plus strand (A>G on the coding strand, the complement: KCNQ3 is on the minus strand). VCF-style: chr8-132129752-T-C. GRCh37 (hg19) VCF-style: chr8-133141999-T-C.
Other names: c.1769A>G, p.Tyr590Cys (NM_001204824.2); short protein forms Y710C, Y590C.
Identifiers: ClinVar variation 405216 (VCV000405216.10), dbSNP rs1060500605, ClinGen allele CA16612467.

ClinVar aggregate classification (germline): Conflicting classifications of pathogenicity. Review status: criteria provided, conflicting classifications (1 of 4 stars). 3 submissions from 3 submitters: Uncertain significance (2); Likely benign (1). Last evaluated 2025-08-14.

Conditions:
Benign neonatal seizures. Also called: Benign familial neonatal seizures; Benign neonatal familial convulsions; Benign familial neonatal epilepsy; Convulsions benign familial neonatal dominant form; Autosomal dominant form of benign neonatal seizures. Identifiers: Orphanet 1949, MedGen C0220669, MONDO:0016027.
Inborn genetic diseases. Identifiers: MedGen C0950123, MeSH D030342.
Seizures, benign familial neonatal, 2. Also called: CONVULSIONS, BENIGN FAMILIAL NEONATAL, 2; KCNQ3-Related Self-Limited Familial Neonatal Epilepsy (SLFNE); Benign Neonatal Epilepsy 2; KCNQ3-Related Benign Familial Neonatal Epilepsy; Seizures, benign neonatal, 2. Identifiers: Orphanet 1949, MedGen C1852581, MONDO:0007366, OMIM 121201.

Allele frequency attached by ClinVar (database versions not stated): gnomAD exomes below 0.00001.
gnomAD v4.1: 6 of 1,614,074 alleles (0.00037%); highest among the groups gnomAD compares: Admixed American, 0.0017%; no homozygotes.

Submissions (3):

Ambry Genetics
Classification: Uncertain significance for Inborn genetic diseases. Last evaluated: 2025-08-14. Review status: criteria provided, single submitter. Criteria: Ambry Variant Classification Scheme 2023. Collection method: clinical testing. Allele origin: germline.

Labcorp Genetics (formerly Invitae), Labcorp
Classification: Likely benign for Benign neonatal seizures. Last evaluated: 2023-06-26. Review status: criteria provided, single submitter. Criteria: Invitae Variant Classification Sherloc (09022015). Collection method: clinical testing. Allele origin: germline.

Baylor Genetics
Classification: Uncertain significance for Seizures, benign familial neonatal, 2. Last evaluated: 2020-09-17. Review status: criteria provided, single submitter. Criteria: ACMG Guidelines, 2015. Collection method: clinical testing. Allele origin: unknown. Affected: yes.
Comment: This variant was determined to be of uncertain significance according to ACMG Guidelines, 2015 [PMID:25741868].